The following is an entry in ClinVar:

NM_004369.4(COL6A3):c.*665G>T

Gene: COL6A3 (collagen type VI alpha 3 chain; minus strand). Cytogenetic location: 2q37.3.
Variant type: single nucleotide variant.
Coding change: c.*665G>T on transcript NM_004369.4 (MANE Select); 665 bases downstream of the stop codon, G replaced by T.
Molecular consequence: 3 prime UTR variant.
Genome position (GRCh38, 1-based): chr2:237,324,109, C>A on the plus strand (G>T on the coding strand, the complement: COL6A3 is on the minus strand). VCF-style: chr2-237324109-C-A. GRCh37 (hg19) VCF-style: chr2-238232752-C-A.
Other names: c.*665G>T (NM_057166.5, NM_057167.4).
Identifiers: ClinVar variation 335089 (VCV000335089.6), dbSNP rs1050785, ClinGen allele CA10612825.

ClinVar aggregate classification (germline): Benign. Review status: criteria provided, multiple submitters, no conflicts (2 of 4 stars). 2 submissions from 2 submitters: Benign (2). Last evaluated 2018-01-12.

Conditions:
Collagen 6-related myopathy. Identifiers: MedGen CN117976, MONDO:0100225.

Allele frequency attached by ClinVar (database versions not stated): gnomAD exomes 0.57488; gnomAD 0.65414 and 0.65670; TOPMed 0.65693; 1000 Genomes Project 0.68790.
gnomAD v4.1: 97,554 of 149,242 alleles (65%); highest among the groups gnomAD compares: African/African-American, 78%; 32,004 homozygotes.

Submissions (2):

Illumina Laboratory Services, Illumina
Classification: Benign for Collagen VI-related myopathy. Last evaluated: 2018-01-12. Review status: criteria provided, single submitter. Criteria: ICSL Variant Classification Criteria 13 December 2019. Collection method: clinical testing. Allele origin: germline.
Comment: This variant was observed in the ICSL laboratory as part of a predisposition screen in an ostensibly healthy population. It had not been previously curated by ICSL or reported in the Human Gene Mutation Database (HGMD: prior to June 1st, 2018), and was therefore a candidate for classification through an automated scoring system. Utilizing variant allele frequency, disease prevalence and penetrance estimates, and inheritance mode, an automated score was calculated to assess if this variant is too frequent to cause the disease. Based on the score and internal cut-off values, a variant classified as benign is not then subjected to further curation. The score for this variant resulted in a classification of benign for this disease.

Breakthrough Genomics
Classification: Benign. Review status: criteria provided, single submitter. Criteria: ACMG Guidelines, 2015. Collection method: not provided. Allele origin: germline. Inheritance: Autosomal recessive inheritance. Affected: yes.